The following is an entry in ClinVar:

ClinVar aggregate classification (germline): Conflicting classifications of pathogenicity. Review status: criteria provided, conflicting classifications (1 of 4 stars). 7 submissions from 7 submitters: Uncertain significance (3); Likely benign (4). Last evaluated 2026-01-30.

Conditions:
SMARCA4-related disorder. Also called: SMARCA4-related condition.
Hereditary cancer-predisposing syndrome. Also called: Hereditary Cancer Syndrome; Neoplastic Syndromes, Hereditary; Tumor predisposition; Hereditary neoplastic syndrome. Identifiers: Orphanet 140162, MedGen C0027672, MeSH D009386, MONDO:0015356.
Rhabdoid tumor predisposition syndrome 2 (RTPS2). Identifiers: Orphanet 231108, Orphanet 69077, MedGen C2750074, MONDO:0013224, OMIM 613325.

Allele frequency attached by ClinVar (database versions not stated): gnomAD exomes 0.00001; ExAC 0.00003; TOPMed 0.00004; gnomAD 0.00005; ESP Exome Variant Server 0.00010.
gnomAD v4.1: 24 of 1,594,554 alleles (0.0015%); highest among the groups gnomAD compares: East Asian, 0.018%; no homozygotes.

Submissions (7):

Labcorp Genetics (formerly Invitae), Labcorp
Classification: Likely benign for Rhabdoid tumor predisposition syndrome 2. Last evaluated: 2026-01-30. Review status: criteria provided, single submitter. Criteria: Invitae Variant Classification Sherloc (09022015). Collection method: clinical testing. Allele origin: germline.

PreventionGenetics, part of Exact Sciences
Classification: Likely benign for SMARCA4-related condition. Last evaluated: 2025-05-20. Review status: criteria provided, single submitter. Criteria: ACMG Guidelines, 2015. Collection method: clinical testing. Allele origin: germline.
Comment: This variant is classified as likely benign based on ACMG/AMP sequence variant interpretation guidelines (Richards et al. 2015 PMID: 25741868, with internal and published modifications).

Quest Diagnostics Nichols Institute San Juan Capistrano
Classification: Uncertain significance. Last evaluated: 2024-10-16. Review status: criteria provided, single submitter. Criteria: Quest Diagnostics criteria. Collection method: clinical testing. Allele origin: unknown.
Comment: The SMARCA4 c.4174A>G (p.Ile1392Val) variant has not been reported in individuals with SMARCA4-related conditions in the published literature. The frequency of this variant in the general population, 0.00022 (5/22426 chromosomes in African/African American subpopulation (Genome Aggregation Database)), is higher than would generally be expected for pathogenic variants in this gene. Analysis of this variant using bioinformatics tools for the prediction of the effect of amino acid changes on protein structure and function yielded predictions that this variant is benign. Based on the available information, we are unable to determine the clinical significance of this variant.

GeneDx
Classification: Uncertain significance. Last evaluated: 2023-11-30. Review status: criteria provided, single submitter. Criteria: GeneDx Variant Classification Process June 2021. Collection method: clinical testing. Allele origin: germline.
Comment: Has not been previously published as pathogenic or benign to our knowledge; In silico analysis supports that this missense variant does not alter protein structure/function; In silico analysis is inconclusive as to whether the variant alters gene splicing. In the absence of RNA/functional studies, the actual effect of this sequence change is unknown.; This variant is associated with the following publications: (PMID: 29338072)

Sema4
Classification: Likely benign for Hereditary cancer-predisposing syndrome. Last evaluated: 2021-07-07. Review status: criteria provided, single submitter. Criteria: Sema4 Curation Guidelines. Collection method: curation. Allele origin: germline.

Ambry Genetics
Classification: Likely benign for Hereditary cancer-predisposing syndrome. Last evaluated: 2021-01-19. Review status: criteria provided, single submitter. Criteria: Ambry Variant Classification Scheme 2023. Collection method: clinical testing. Allele origin: germline.

Genetic Services Laboratory, University of Chicago
Classification: Uncertain significance. Last evaluated: 2014-05-09. Review status: criteria provided, single submitter. Criteria: ACMG Guidelines, 2015. Collection method: clinical testing. Allele origin: germline.

NM_001387283.1(SMARCA4):c.4174A>G (p.Ile1392Val)

Gene: SMARCA4 (SWI/SNF related BAF chromatin remodeling complex subunit ATPase 4; plus strand). Cytogenetic location: 19p13.2.
Variant type: single nucleotide variant.
Coding change: c.4174A>G on transcript NM_001387283.1 (MANE Plus Clinical); coding-DNA position 4174, A replaced by G.
Protein change: p.Ile1392Val; replaces isoleucine 1392 with valine.
Molecular consequence: missense variant. On other transcripts: intron variant (7).
Genome position (GRCh38, 1-based): chr19:11,039,461, A>G. VCF-style: chr19-11039461-A-G. GRCh37 (hg19) VCF-style: chr19-11150137-A-G.
Other names: c.4174A>G, p.Ile1392Val (NM_001128849.3); c.4171-1846A>G (NM_001128844.3, NM_003072.5); c.4072-1846A>G (NM_001128847.4, NM_001374457.1, NM_001128848.2); c.4072-1837A>G (NM_001128845.2, NM_001128846.2); short protein forms I1392V.
Identifiers: ClinVar variation 212256 (VCV000212256.26), dbSNP rs370424312, ClinGen allele CA205179.
Genomic context (GRCh38, chr19:11,039,461, plus strand): 5'-AATTAGGGCACGTTGTGCACTGAAACACTAAACAGACATTAAAAAATTTTGTTGTAGAAA[A>G]TTACAGGAAAAGATATCCATGACACAGCCAGCAGTGTGGCACGTGGGCTACAATTCCAGC-3'
Protein context (NP_001374212.1, residues 1382-1402): SLTEKQWLKK[Ile1392Val]TGKDIHDTAS